The following is an entry in ClinVar:

ClinVar aggregate classification (germline): Pathogenic (1 of 4 stars; one submission).

Conditions:
Bardet-Biedl syndrome (BBS). Identifiers: Orphanet 110, MedGen C0752166, MONDO:0015229.

Submission:

Labcorp Genetics (formerly Invitae), Labcorp
Classification: Pathogenic for Bardet-Biedl syndrome. Last evaluated: 2024-10-26. Review status: criteria provided, single submitter. Criteria: Invitae Variant Classification Sherloc (09022015). Collection method: clinical testing. Allele origin: germline.
Comment: This sequence change creates a premature translational stop signal (p.Asn373Ilefs*2) in the BBS12 gene. While this is not anticipated to result in nonsense mediated decay, it is expected to disrupt the last 338 amino acid(s) of the BBS12 protein. This variant is not present in population databases (gnomAD no frequency). This variant has not been reported in the literature in individuals affected with BBS12-related conditions. ClinVar contains an entry for this variant (Variation ID: 2021723). This variant disrupts a region of the BBS12 protein in which other variant(s) (p.Arg675*) have been determined to be pathogenic (PMID: 20827784, 21642631). This suggests that this is a clinically significant region of the protein, and that variants that disrupt it are likely to be disease-causing. For these reasons, this variant has been classified as Pathogenic.

Literature cited by the submitters: PubMed 20827784; PubMed 21642631.

NM_152618.3(BBS12):c.1117_1118insT (p.Asn373fs)

Gene: BBS12 (Bardet-Biedl syndrome 12; plus strand). Cytogenetic location: 4q27.
Variant type: Insertion.
Coding change: c.1117_1118insT on transcript NM_152618.3 (MANE Select); coding-DNA positions 1117 to 1118, T inserted.
Protein change: p.Asn373fs; shifts the reading frame from asparagine 373.
Molecular consequence: frameshift variant.
Genome position: GRCh38 VCF-style: chr4-122743009-A-AT. GRCh37 (hg19) VCF-style: chr4-123664164-A-AT.
Other names: c.1117_1118insT, p.Asn373fs (NM_001178007.2); short protein forms N373fs.
Identifiers: ClinVar variation 2021723 (VCV002021723.4), dbSNP rs2485075215, ClinGen allele CA2580071468.